The following is an entry in ClinVar:

NM_001258392.3(CLPB):c.1102A>G (p.Met368Val)

Gene: CLPB (ClpB family mitochondrial disaggregase; minus strand). Cytogenetic location: 11q13.4.
Variant type: single nucleotide variant.
Coding change: c.1102A>G on transcript NM_001258392.3 (MANE Select); coding-DNA position 1102, A replaced by G.
Protein change: p.Met368Val; replaces methionine 368 with valine.
Molecular consequence: missense variant.
Genome position (GRCh38, 1-based): chr11:72,307,219, T>C on the plus strand (A>G on the coding strand, the complement: CLPB is on the minus strand). VCF-style: chr11-72307219-T-C. GRCh37 (hg19) VCF-style: chr11-72018263-T-C.
Other names: c.1015A>G, p.Met339Val (NM_001258393.3); c.1057A>G, p.Met353Val (NM_001258394.3); c.1192A>G, p.Met398Val (NM_030813.6); short protein forms M368V, M398V, M339V, M353V.
Identifiers: ClinVar variation 3013312 (VCV003013312.3), dbSNP rs774761950, ClinGen allele CA6171273.

ClinVar aggregate classification (germline): Uncertain significance (1 of 4 stars; one submission).

Conditions:
3-methylglutaconic aciduria, type VIIB (MGCA7B). Also called: 3-methylglutaconic aciduria with cataracts, neurologic involvement and neutropenia; 3-methylglutaconic aciduria, type VII, with cataracts, neurologic involvement and neutropenia; CLPB Deficiency. Identifiers: Orphanet 445038, MedGen C5676893, MONDO:0014561, OMIM 616271.

Allele frequency attached by ClinVar (database versions not stated): ExAC 0.00001; gnomAD exomes 0.00001.
gnomAD v4.1: 8 of 1,614,100 alleles (0.0005%); highest among the groups gnomAD compares: Middle Eastern, 0.017%; no homozygotes.

Submission:

Labcorp Genetics (formerly Invitae), Labcorp
Classification: Uncertain significance for 3-methylglutaconic aciduria, type VIIB. Last evaluated: 2023-10-17. Review status: criteria provided, single submitter. Criteria: Invitae Variant Classification Sherloc (09022015). Collection method: clinical testing. Allele origin: germline.
Comment: This sequence change replaces methionine, which is neutral and non-polar, with valine, which is neutral and non-polar, at codon 398 of the CLPB protein (p.Met398Val). This variant is present in population databases (rs774761950, gnomAD 0.006%). This variant has not been reported in the literature in individuals affected with CLPB-related conditions. An algorithm developed to predict the effect of missense changes on protein structure and function (PolyPhen-2) suggests that this variant is likely to be tolerated. In summary, the available evidence is currently insufficient to determine the role of this variant in disease. Therefore, it has been classified as a Variant of Uncertain Significance.